The following is an entry in ClinVar:

ClinVar aggregate classification (germline): Uncertain significance (1 of 4 stars; one submission).

Submission:

GeneDx
Classification: Uncertain significance. Last evaluated: 2024-01-03. Review status: criteria provided, single submitter. Criteria: GeneDx Variant Classification Process June 2021. Collection method: clinical testing. Allele origin: germline. Affected: yes.
Comment: Not observed at significant frequency in large population cohorts (gnomAD); In silico analysis supports that this missense variant does not alter protein structure/function; Has not been previously published as pathogenic or benign to our knowledge

NM_013275.6(ANKRD11):c.3269C>G (p.Ala1090Gly)

Gene: ANKRD11 (ankyrin repeat domain containing 11; minus strand). Cytogenetic location: 16q24.3.
Variant type: single nucleotide variant.
Coding change: c.3269C>G on transcript NM_013275.6 (MANE Select); coding-DNA position 3269, C replaced by G.
Protein change: p.Ala1090Gly; replaces alanine 1090 with glycine.
Molecular consequence: missense variant.
Genome position (GRCh38, 1-based): chr16:89,283,273, G>C on the plus strand (C>G on the coding strand, the complement: ANKRD11 is on the minus strand). VCF-style: chr16-89283273-G-C. GRCh37 (hg19) VCF-style: chr16-89349681-G-C.
Other names: c.3269C>G, p.Ala1090Gly (NM_001256182.2, NM_001256183.2); short protein forms A1090G.
Identifiers: ClinVar variation 3367381 (VCV003367381.1).